The following is an entry in ClinVar:

ClinVar aggregate classification (germline): Uncertain significance (1 of 4 stars; one submission).

Conditions:
Kleefstra syndrome 2 (KLEFS2). Identifiers: MedGen C4540395, MONDO:0054701, OMIM 617768.

gnomAD v4.1: 3 of 1,614,200 alleles (0.00019%); highest among the groups gnomAD compares: South Asian, 0.0022%; no homozygotes.

Submission:

Juno Genomics, Hangzhou Juno Genomics, Inc
Classification: Uncertain significance for Kleefstra syndrome 2. Review status: criteria provided, single submitter. Criteria: ACMG Guidelines, 2015. Collection method: clinical testing. Allele origin: germline.
Comment: Absent from controls (or at extremely low frequency if recessive) in Genome Aggregation Database.;Missense variant in a gene that has a low rate of benign missense variation.

NM_170606.3(KMT2C):c.10199G>A (p.Arg3400His)

Gene: KMT2C (lysine methyltransferase 2C; minus strand). Cytogenetic location: 7q36.1.
Variant type: single nucleotide variant.
Coding change: c.10199G>A on transcript NM_170606.3 (MANE Select); coding-DNA position 10199, G replaced by A.
Protein change: p.Arg3400His; replaces arginine 3400 with histidine.
Molecular consequence: missense variant.
Genome position (GRCh38, 1-based): chr7:152,163,378, C>T on the plus strand (G>A on the coding strand, the complement: KMT2C is on the minus strand). VCF-style: chr7-152163378-C-T. GRCh37 (hg19) VCF-style: chr7-151860463-C-T.
Other names: short protein forms R3400H.
Identifiers: ClinVar variation 5007180 (VCV005007180.2).